The following is an entry in ClinVar:

ClinVar aggregate classification (germline): Pathogenic (1 of 4 stars; one submission).

Conditions:
Alkaptonuria (AKU). Also called: Alcaptonuria; HOMOGENTISIC ACID OXIDASE DEFICIENCY; Homogentisic acidura; Alkaptonuric ochronosis. Identifiers: Orphanet 56, MedGen C0002066, MONDO:0008753, OMIM 203500.

Submission:

Labcorp Genetics (formerly Invitae), Labcorp
Classification: Pathogenic for Alkaptonuria. Last evaluated: 2022-09-03. Review status: criteria provided, single submitter. Criteria: Invitae Variant Classification Sherloc (09022015). Collection method: clinical testing. Allele origin: germline.
Comment: This variant has not been reported in the literature in individuals affected with HGD-related conditions. For these reasons, this variant has been classified as Pathogenic. This variant is not present in population databases (gnomAD no frequency). This sequence change creates a premature translational stop signal (p.Trp233*) in the HGD gene. It is expected to result in an absent or disrupted protein product. Loss-of-function variants in HGD are known to be pathogenic (PMID: 12501223, 19862842).

Literature cited by the submitters: PubMed 12501223; PubMed 19862842.

NM_000187.4(HGD):c.699G>A (p.Trp233Ter)

Gene: HGD (homogentisate 1,2-dioxygenase; minus strand). Cytogenetic location: 3q13.33.
Variant type: single nucleotide variant.
Coding change: c.699G>A on transcript NM_000187.4 (MANE Select); coding-DNA position 699, G replaced by A.
Protein change: p.Trp233Ter; replaces tryptophan 233 with a stop codon.
Molecular consequence: nonsense.
Genome position (GRCh38, 1-based): chr3:120,644,394, C>T on the plus strand (G>A on the coding strand, the complement: HGD is on the minus strand). VCF-style: chr3-120644394-C-T. GRCh37 (hg19) VCF-style: chr3-120363241-C-T.
Other names: short protein forms W233*.
Identifiers: ClinVar variation 1986548 (VCV001986548.4), dbSNP rs2472689944, ClinGen allele CA354075324.
Genomic context (GRCh38, chr3:120,644,394, plus strand): 5'-CAGCTTGCCCTGGTATTTATTAATGACCGTGTAACCACCTGGTACTTGGCGATCCTCATA[C>T]CAGGCAATGGGTATCAAGAAATCACGAGGATTGGCCAAGCCATTGGCCCCTAGAAAACAG-3'